The following is an entry in ClinVar:

NM_080425.4(GNAS):c.1819T>C (p.Leu607=)

Gene: GNAS (GNAS complex locus; plus strand). Cytogenetic location: 20q13.32.
Variant type: single nucleotide variant.
Coding change: c.1819T>C on transcript NM_080425.4 (MANE Plus Clinical); coding-DNA position 1819, T replaced by C.
Protein change: p.Leu607=; no amino-acid change (leucine 607 retained).
Molecular consequence: synonymous variant. On other transcripts: intron variant (3).
Genome position (GRCh38, 1-based): chr20:58,855,084, T>C. VCF-style: chr20-58855084-T-C. GRCh37 (hg19) VCF-style: chr20-57430139-T-C.
Other names: c.1632T>C, p.Thr544= (NM_001077490.3, NM_001309883.1); c.1819T>C, p.Leu607= (NM_001410913.1); c.*42+14198T>C (NM_016592.5); c.43+14198T>C (NM_001410912.1); c.-39+13209T>C (NM_001309861.2).
Identifiers: ClinVar variation 3349689 (VCV003349689.1).

ClinVar aggregate classification (germline): Likely benign (0 of 4 stars; one submission).

Conditions:
GNAS-related disorder. Identifiers: MedGen CN380105.

Submission:

PreventionGenetics, part of Exact Sciences
Classification: Likely benign for GNAS-related condition. Last evaluated: 2024-04-11. Review status: no assertion criteria provided. Collection method: clinical testing. Allele origin: germline.
Comment: This variant is classified as likely benign based on ACMG/AMP sequence variant interpretation guidelines (Richards et al. 2015 PMID: 25741868, with internal and published modifications).